The following is an entry in ClinVar:

NM_004082.5(DCTN1):c.3478A>C (p.Asn1160His)

Gene: DCTN1 (dynactin subunit 1; minus strand). Cytogenetic location: 2p13.1.
Variant type: single nucleotide variant.
Coding change: c.3478A>C on transcript NM_004082.5 (MANE Select); coding-DNA position 3478, A replaced by C.
Protein change: p.Asn1160His; replaces asparagine 1160 with histidine.
Molecular consequence: missense variant. On other transcripts: non-coding transcript variant (1).
Genome position (GRCh38, 1-based): chr2:74,363,045, T>G on the plus strand (A>C on the coding strand, the complement: DCTN1 is on the minus strand). VCF-style: chr2-74363045-T-G. GRCh37 (hg19) VCF-style: chr2-74590172-T-G.
Other names: c.3403A>C, p.Asn1135His (NM_001135040.3); c.3061A>C, p.Asn1021His (NM_001135041.3); c.3352A>C, p.Asn1118His (NM_001190836.2); c.3457A>C, p.Asn1153His (NM_001190837.2); c.3427A>C, p.Asn1143His (NM_001378991.1); c.3409A>C, p.Asn1137His (NM_001378992.1); c.3076A>C, p.Asn1026His (NM_023019.4); short protein forms N1118H, N1026H, N1160H, N1021H, N1135H, N1153H, N1137H, N1143H.
Identifiers: ClinVar variation 337075 (VCV000337075.6), dbSNP rs747831061, ClinGen allele CA1721483.
Genomic context (GRCh38, chr2:74,363,045, plus strand): 5'-GGTACATACCAGGGCTGGTGCGAGTGATGTCTACTACGTGCGTGTGTGTGCTCAATTGAT[T>G]CAATGTCTCCAGCAGCTGGCTGGTCTTACGATACAGCGCTCCAGCTGGTAACTCACTGCC-3'
Protein context (NP_004073.2, residues 1150-1170): RKTSQLLETL[Asn1160His]QLSTHTHVVD

ClinVar aggregate classification (germline): Conflicting classifications of pathogenicity. Review status: criteria provided, conflicting classifications (1 of 4 stars). 3 submissions from 2 submitters: Uncertain significance (1); Benign (2). Last evaluated 2024-03-20.

Conditions:
Perry syndrome. Also called: PARKINSONISM WITH ALVEOLAR HYPOVENTILATION AND MENTAL DEPRESSION. Identifiers: Orphanet 178509, MedGen C1868594, MONDO:0008201, OMIM 168605.
Neuronopathy, distal hereditary motor, type 7B. Also called: HMN VIIB; LOWER MOTOR NEURON DISEASE, DYNACTIN TYPE; NEURONOPATHY, DISTAL HEREDITARY MOTOR, AUTOSOMAL DOMINANT 14; NEURONOPATHY, DISTAL HEREDITARY MOTOR, HARDING TYPE VIIB; NEUROPATHY, DISTAL HEREDITARY MOTOR, HARDING TYPE VIIB; NEUROPATHY, DISTAL HEREDITARY MOTOR, WITH VOCAL CORD PARALYSIS, HARDING TYPE VIIB. Identifiers: Orphanet 139589, MedGen C1843315, MONDO:0011879, OMIM 607641.
Inborn genetic diseases. Identifiers: MedGen C0950123, MeSH D030342.

Allele frequency attached by ClinVar (database versions not stated): gnomAD exomes below 0.00001 and 0.00001; ExAC 0.00002.
gnomAD v4.1: 2 of 1,613,948 alleles (0.00012%); highest among the groups gnomAD compares: East Asian, 0.0045%; no homozygotes.

Submissions (3):

Ambry Genetics
Classification: Uncertain significance for Inborn genetic diseases. Last evaluated: 2024-03-20. Review status: criteria provided, single submitter. Criteria: Ambry Variant Classification Scheme 2023. Collection method: clinical testing. Allele origin: germline.

Illumina Laboratory Services, Illumina
Classification: Benign for Perry syndrome. Last evaluated: 2018-01-13. Review status: criteria provided, single submitter. Criteria: ICSL Variant Classification Criteria 13 December 2019. Collection method: clinical testing. Allele origin: germline.
Comment: This variant was observed in the ICSL laboratory as part of a predisposition screen in an ostensibly healthy population. It had not been previously curated by ICSL or reported in the Human Gene Mutation Database (HGMD: prior to June 1st, 2018), and was therefore a candidate for classification through an automated scoring system. Utilizing variant allele frequency, disease prevalence and penetrance estimates, and inheritance mode, an automated score was calculated to assess if this variant is too frequent to cause the disease. Based on the score and internal cut-off values, a variant classified as benign is not then subjected to further curation. The score for this variant resulted in a classification of benign for this disease.

Illumina Laboratory Services, Illumina
Classification: Benign for Neuronopathy, distal hereditary motor, type 7B. Last evaluated: 2018-01-13. Review status: criteria provided, single submitter. Criteria: ICSL Variant Classification Criteria 13 December 2019. Collection method: clinical testing. Allele origin: germline.
Comment: the same text as in the submission from Illumina Laboratory Services, Illumina above.